The following is an entry in ClinVar:

NM_003238.6(TGFB2):c.701del (p.Ser234fs)

Gene: TGFB2 (transforming growth factor beta 2; plus strand). Cytogenetic location: 1q41.
Variant type: Deletion.
Coding change: c.701del on transcript NM_003238.6 (MANE Select); coding-DNA position 701, one base deleted (C; older notation c.701delC).
Protein change: p.Ser234fs; shifts the reading frame from serine 234.
Molecular consequence: frameshift variant. On other transcripts: non-coding transcript variant (2).
Genome position (GRCh38, 1-based): chr1:218,434,395, C deleted. VCF-style (leftmost placement, unchanged base first): chr1-218434394-TC-T. GRCh37 (hg19) VCF-style: chr1-218607736-TC-T.
Other names: c.785del, p.Ser262fs (NM_001135599.4); short protein forms S234fs, S262fs.
Identifiers: ClinVar variation 4857475 (VCV004857475.1).

ClinVar aggregate classification (germline): Likely pathogenic (1 of 4 stars; one submission).

Conditions:
Loeys-Dietz syndrome 4 (LDS4). Also called: TGFB2-Related Loeys-Dietz Syndrome; ANEURYSM, AORTIC AND CEREBRAL, WITH ARTERIAL TORTUOSITY AND SKELETAL MANIFESTATIONS. Identifiers: MedGen C3553762, MONDO:0013897, OMIM 614816.

Submission:

Institute of Human Genetics, University of Leipzig Medical Center
Classification: Likely pathogenic for Loeys-Dietz syndrome 4. Last evaluated: 2026-05-26. Review status: criteria provided, single submitter. Criteria: ACMG Guidelines, 2015. Collection method: clinical testing. Allele origin: unknown. Inheritance: Autosomal dominant inheritance. Affected: yes.
Comment: Criteria applied: PM2,PVS1